The following is an entry in ClinVar:

NM_181703.4(GJA5):c.102G>A (p.Met34Ile)

Gene: GJA5 (gap junction protein alpha 5; minus strand). Cytogenetic location: 1q21.2.
Variant type: single nucleotide variant.
Coding change: c.102G>A on transcript NM_181703.4 (MANE Select); coding-DNA position 102, G replaced by A.
Protein change: p.Met34Ile; replaces methionine 34 with isoleucine.
Molecular consequence: missense variant.
Genome position (GRCh38, 1-based): chr1:147,759,137, C>T on the plus strand (G>A on the coding strand, the complement: GJA5 is on the minus strand). VCF-style: chr1-147759137-C-T. GRCh37 (hg19) VCF-style: chr1-147231245-C-T.
Other names: c.102G>A, p.Met34Ile (NM_005266.7); short protein forms M34I.
Identifiers: ClinVar variation 3749247 (VCV003749247.2).

ClinVar aggregate classification (germline): Uncertain significance (1 of 4 stars; one submission).

Conditions:
Atrial standstill 1 (ATRST1). Also called: Atrial standstill, digenic (GJA5/SCN5A); ATRIAL CARDIOMYOPATHY WITH HEART BLOCK; CARDIOMYOPATHY, FAMILIAL, WITH CONDUCTION DISTURBANCE. Identifiers: Orphanet 1344, MedGen C4551959, MONDO:0007171, OMIM 108770.
Atrial fibrillation, familial, 11 (ATFB11). Identifiers: MedGen C3279693, MONDO:0013544, OMIM 614049.

Submission:

Labcorp Genetics (formerly Invitae), Labcorp
Classification: Uncertain significance for Atrial fibrillation, familial, 11; Atrial standstill 1. Last evaluated: 2024-08-14. Review status: criteria provided, single submitter. Criteria: Invitae Variant Classification Sherloc (09022015). Collection method: clinical testing. Allele origin: germline.
Comment: This sequence change replaces methionine, which is neutral and non-polar, with isoleucine, which is neutral and non-polar, at codon 34 of the GJA5 protein (p.Met34Ile). This variant is not present in population databases (gnomAD no frequency). This variant has not been reported in the literature in individuals affected with GJA5-related conditions. Invitae Evidence Modeling of protein sequence and biophysical properties (such as structural, functional, and spatial information, amino acid conservation, physicochemical variation, residue mobility, and thermodynamic stability) indicates that this missense variant is not expected to disrupt GJA5 protein function with a negative predictive value of 80%. In summary, the available evidence is currently insufficient to determine the role of this variant in disease. Therefore, it has been classified as a Variant of Uncertain Significance.